The following is an entry in ClinVar:

NM_130837.3(OPA1):c.2962G>A (p.Val988Ile)

Gene: OPA1 (OPA1 mitochondrial dynamin like GTPase; plus strand). Cytogenetic location: 3q29.
Variant type: single nucleotide variant.
Coding change: c.2962G>A on transcript NM_130837.3 (MANE Select); coding-DNA position 2962, G replaced by A.
Protein change: p.Val988Ile; replaces valine 988 with isoleucine.
Molecular consequence: missense variant.
Genome position (GRCh38, 1-based): chr3:193,667,259, G>A. VCF-style: chr3-193667259-G-A. GRCh37 (hg19) VCF-style: chr3-193385048-G-A.
Other names: p.Val933Ile; c.2428G>A, p.Val810Ile (NM_001354663.2); c.2425G>A, p.Val809Ile (NM_001354664.2); c.2797G>A, p.Val933Ile (NM_015560.3); c.2689G>A, p.Val897Ile (NM_130831.3); c.2743G>A, p.Val915Ile (NM_130832.3); c.2800G>A, p.Val934Ile (NM_130833.3); c.2851G>A, p.Val951Ile (NM_130834.3); and 3 more; short protein forms V933I, V988I, V970I, V810I, V915I, V952I, V809I, V934I.
Identifiers: ClinVar variation 427152 (VCV000427152.19), dbSNP rs375733283, ClinGen allele CA2759786.

ClinVar aggregate classification (germline): Conflicting classifications of pathogenicity. Review status: criteria provided, conflicting classifications (1 of 4 stars). 8 submissions from 8 submitters: Pathogenic (1); Likely pathogenic (2); Uncertain significance (5). Last evaluated 2025-12-22.

Conditions:
OPA1-related disorder. Also called: OPA1-related condition; OPA1-related disorders.
Optic atrophy with or without deafness, ophthalmoplegia, myopathy, ataxia, and neuropathy. Also called: OPTIC ATROPHY PLUS SYNDROME. Identifiers: MedGen C3276549, MONDO:0007429, OMIM 125250.
Autosomal dominant optic atrophy classic form (OPA1). Also called: KJER-TYPE OPTIC ATROPHY; Optic Atrophy Type 1; OPTIC ATROPHY, JUVENILE. Identifiers: Orphanet 98673, MedGen C0338508, MONDO:0008134, OMIM 165500.

Allele frequency attached by ClinVar (database versions not stated): gnomAD exomes below 0.00001 and 0.00002; ExAC 0.00001; gnomAD 0.00002; TOPMed 0.00002; ESP Exome Variant Server 0.00008.
gnomAD v4.1: 31 of 1,585,472 alleles (0.002%); highest among the groups gnomAD compares: African/African-American, 0.0027%; 1 homozygote.

Submissions (8):

PreventionGenetics, part of Exact Sciences
Classification: Uncertain significance for OPA1-related condition. Last evaluated: 2025-12-22. Review status: criteria provided, single submitter. Criteria: ACMG Guidelines, 2015. Collection method: clinical testing. Allele origin: germline.
Comment: The OPA1 c.2962G>A variant is predicted to result in the amino acid substitution p.Val988Ile. This variant, also described as c.2797G>A (p.Val933Ile) using an alternate transcript (NM_015560.2), has been reported in three individuals from two separate families; these patients presented with presumed autosomal dominant optic atrophy (Barboni et al. 2010. PubMed ID: 20417568; Cascavilla et al. 2018. PubMed ID: 28926202). This variant was also reported in a patient with optic atrophy and non-specific brain white matter lesions (Rocca et al. 2015. PubMed ID: 25794858). A different amino acid change at this position (p.Val988Phe) was previously reported in a patient who presented with spastic ataxic syndrome with peripheral neuropathy; this patient also carried a second plausible causative variant in the same gene (Nasca et al. 2017. PubMed ID: 28494813). This variant is reported in 0.0040% of alleles in individuals of European (Finnish) descent in gnomAD. Although we suspect that this variant may be pathogenic, at this time, the clinical significance of this variant is uncertain due to the absence of conclusive functional and genetic evidence.

Labcorp Genetics (formerly Invitae), Labcorp
Classification: Likely pathogenic. Last evaluated: 2025-10-02. Review status: criteria provided, single submitter. Criteria: Invitae Variant Classification Sherloc (09022015). Collection method: clinical testing. Allele origin: germline.
Comment: This sequence change replaces valine, which is neutral and non-polar, with isoleucine, which is neutral and non-polar, at codon 933 of the OPA1 protein (p.Val933Ile). This variant is present in population databases (rs375733283, gnomAD 0.0008%). This missense change has been observed in individuals with autosomal dominant OPA1-related conditions (PMID: 20417568, 25794858). ClinVar contains an entry for this variant (Variation ID: 427152). Invitae Evidence Modeling of protein sequence and biophysical properties (such as structural, functional, and spatial information, amino acid conservation, physicochemical variation, residue mobility, and thermodynamic stability) indicates that this missense variant is not expected to disrupt OPA1 protein function with a negative predictive value of 80%. This variant disrupts the p.Val933 amino acid residue in OPA1. Other variant(s) that disrupt this residue have been observed in individuals with OPA1-related conditions (PMID: 28494813), which suggests that this may be a clinically significant amino acid residue. In summary, the currently available evidence indicates that the variant is pathogenic, but additional data are needed to prove that conclusively. Therefore, this variant has been classified as Likely Pathogenic.

Mayo Clinic Laboratories, Mayo Clinic
Classification: Likely pathogenic. Last evaluated: 2025-02-11. Review status: criteria provided, single submitter. Criteria: ACMG Guidelines, 2015. Collection method: clinical testing. Allele origin: germline. Observed: 1 variant allele.
Comment: PM2_moderate, PM5, PS4

Laboratory of Prof. Karen Avraham, Tel Aviv University
Classification: Pathogenic for Optic atrophy with or without deafness, ophthalmoplegia, myopathy, ataxia, and neuropathy. Last evaluated: 2024-06-04. Review status: criteria provided, single submitter. Criteria: ACMG Guidelines, 2015. Collection method: research. Allele origin: germline. Affected: yes. Observed: 1 variant allele.
Comment: Pathgenic by Deafness Variation Database according to PMID:20417568, 25794858, 28926202

Autosomal dominant, high-tone normal-to-severe HL

Women's Health and Genetics/Laboratory Corporation of America, LabCorp
Classification: Uncertain significance. Last evaluated: 2022-10-18. Review status: criteria provided, single submitter. Criteria: LabCorp Variant Classification Summary - May 2015. Collection method: clinical testing. Allele origin: germline.
Comment: Variant summary: OPA1 c.2797G>A (p.Val933Ile) results in a conservative amino acid change located in the C-terminal domain (IPR045817) of the encoded protein sequence. Four of five in-silico tools predict a damaging effect of the variant on protein function. The variant allele was found at a frequency of 4e-06 in 251456 control chromosomes (gnomAD). c.2797G>A has been reported in the literature in at least two related individuals affected with autosomal dominant optic atrophy (e.g. Barboni_2010, Rocca_2015, Cascavilla_2018, Weisschuh_2021). These data indicate that the variant may be associated with disease. A different variant affecting the same codon has been reported in association with Spastic ataxic syndrome with peripheral neuropathy in HGMD (p.V933F). To our knowledge, no experimental evidence demonstrating an impact on protein function has been reported. Three clinical diagnostic laboratories have submitted clinical-significance assessments for this variant to ClinVar after 2014. Two laboratories classified the variant as VUS and one as likely pathogenic. Based on the evidence outlined above, the variant was classified as VUS-possibly pathogenic.

GeneDx
Classification: Uncertain significance. Last evaluated: 2022-07-27. Review status: criteria provided, single submitter. Criteria: GeneDx Variant Classification Process June 2021. Collection method: clinical testing. Allele origin: germline. Affected: yes.
Comment: Not observed at a significant frequency in large population cohorts (gnomAD); In silico analysis supports that this missense variant does not alter protein structure/function; This variant is associated with the following publications: (PMID: 20417568, 31589614, 28926202, 34242285, 25794858)

Blueprint Genetics
Classification: Uncertain significance. Last evaluated: 2019-10-03. Review status: criteria provided, single submitter. Criteria: ACMG Guidelines, 2015. Collection method: clinical testing. Allele origin: germline.

Illumina Laboratory Services, Illumina
Classification: Uncertain significance for Autosomal dominant optic atrophy classic form. Last evaluated: 2017-09-28. Review status: criteria provided, single submitter. Criteria: ICSL Variant Classification Criteria 13 December 2019. Collection method: clinical testing. Allele origin: germline.
Comment: This variant was observed as part of a predisposition screen in an ostensibly healthy population. A literature search was performed for the gene, cDNA change, and amino acid change (where applicable). Publications were found based on this search. However, the evidence from the literature, in combination with allele frequency data from public databases where available, was not sufficient to rule this variant in or out of causing disease. Therefore, this variant is classified as a variant of unknown significance.

Literature cited by the submitters: PubMed 20417568 (cited by 4 submitters); PubMed 25794858 (cited by 4 submitters); PubMed 28494813 (cited by Labcorp Genetics (formerly Invitae), Labcorp); PubMed 28926202 (cited by 3 submitters); PubMed 31589614 (cited by Mayo Clinic Laboratories, Mayo Clinic and Women's Health and Genetics/Laboratory Corporation of America, LabCorp); PubMed 34242285 (cited by Mayo Clinic Laboratories, Mayo Clinic).